The following is an entry in ClinVar:

NM_003200.5(TCF3):c.136G>T (p.Gly46Ter)

Gene: TCF3 (transcription factor 3; minus strand). Cytogenetic location: 19p13.3.
Variant type: single nucleotide variant.
Coding change: c.136G>T on transcript NM_003200.5 (MANE Select); coding-DNA position 136, G replaced by T.
Protein change: p.Gly46Ter; replaces glycine 46 with a stop codon.
Molecular consequence: nonsense.
Genome position (GRCh38, 1-based): chr19:1,646,364, C>A on the plus strand (G>T on the coding strand, the complement: TCF3 is on the minus strand). VCF-style: chr19-1646364-C-A. GRCh37 (hg19) VCF-style: chr19-1646363-C-A.
Other names: c.136G>T, p.Gly46Ter (NM_001136139.4, NM_001351778.2, NM_001351779.2); short protein forms G46*.
Identifiers: ClinVar variation 1454718 (VCV001454718.6), dbSNP rs143529809, ClinGen allele CA403080237.
Genomic context (GRCh38, chr19:1,646,364, plus strand): 5'-GACCCTTGATCTCCTCACTCCACGAGCGCTGGCAGGAAGGCGGGGTCCTACCTGAACCTC[C>A]GAACTGCGCCCCGGCCAGGGAGGCGGGCCGGCCCTTCCCGTTGGTGACAGGCAGCGGGAA-3'

ClinVar aggregate classification (germline): Pathogenic (1 of 4 stars; one submission).

Submission:

Labcorp Genetics (formerly Invitae), Labcorp
Classification: Pathogenic. Last evaluated: 2024-08-14. Review status: criteria provided, single submitter. Criteria: Invitae Variant Classification Sherloc (09022015). Collection method: clinical testing. Allele origin: germline.
Comment: This sequence change creates a premature translational stop signal (p.Gly46*) in the TCF3 gene. It is expected to result in an absent or disrupted protein product. Loss-of-function variants in TCF3 are known to be pathogenic (PMID: 24216514, 30063982, 37277074). This variant is not present in population databases (gnomAD no frequency). This variant has not been reported in the literature in individuals affected with TCF3-related conditions. ClinVar contains an entry for this variant (Variation ID: 1454718). For these reasons, this variant has been classified as Pathogenic.

Literature cited by the submitters: PubMed 24216514; PubMed 30063982; PubMed 37277074.